The following is an entry in ClinVar:

ClinVar aggregate classification (germline): Uncertain significance (1 of 4 stars; one submission).

gnomAD v4.1: 1 of 1,614,070 alleles (0.000062%); highest among the groups gnomAD compares: Non-Finnish European, 0.000085%; no homozygotes.

Submission:

Ambry Genetics
Classification: Uncertain significance. Last evaluated: 2023-12-18. Review status: criteria provided, single submitter. Criteria: Ambry Variant Classification Scheme 2023. Collection method: clinical testing. Allele origin: germline.
Comment: The p.V706L variant (also known as c.2116G>C), located in coding exon 13 of the NPAT gene, results from a G to C substitution at nucleotide position 2116. The valine at codon 706 is replaced by leucine, an amino acid with highly similar properties. This amino acid position is conserved. In addition, this alteration is predicted to be tolerated by in silico analysis. Since supporting evidence is limited at this time, the clinical significance of this alteration remains unclear.

NM_002519.3(NPAT):c.2116G>C (p.Val706Leu)

Gene: NPAT (nuclear protein, coactivator of histone transcription; minus strand). Cytogenetic location: 11q22.3.
Variant type: single nucleotide variant.
Coding change: c.2116G>C on transcript NM_002519.3 (MANE Select); coding-DNA position 2116, G replaced by C.
Protein change: p.Val706Leu; replaces valine 706 with leucine.
Molecular consequence: missense variant.
Genome position (GRCh38, 1-based): chr11:108,172,868, C>G on the plus strand (G>C on the coding strand, the complement: NPAT is on the minus strand). VCF-style: chr11-108172868-C-G. GRCh37 (hg19) VCF-style: chr11-108043595-C-G.
Other names: c.2116G>C, p.Val706Leu (NM_001321307.1); short protein forms V706L.
Identifiers: ClinVar variation 3222511 (VCV003222511.1), dbSNP rs770031432, ClinGen allele CA382513656.